The following is an entry in ClinVar:

NM_007294.4(BRCA1):c.948C>A (p.Ser316Arg)

Gene: BRCA1 (BRCA1 DNA repair associated; minus strand). Cytogenetic location: 17q21.31.
Variant type: single nucleotide variant.
Coding change: c.948C>A on transcript NM_007294.4 (MANE Select); coding-DNA position 948, C replaced by A.
Protein change: p.Ser316Arg; replaces serine 316 with arginine.
Molecular consequence: missense variant. On other transcripts: intron variant (137).
Genome position (GRCh38, 1-based): chr17:43,094,583, G>T on the plus strand (C>A on the coding strand, the complement: BRCA1 is on the minus strand). VCF-style: chr17-43094583-G-T. GRCh37 (hg19) VCF-style: chr17-41246600-G-T.
Other names: c.735C>A, p.Ser245Arg (NM_001407571.1, NM_001407853.1, NM_001407894.1 and 9 more transcripts); c.948C>A, p.Ser316Arg (NM_001407581.1, NM_001407582.1, NM_001407583.1 and 30 more transcripts); c.945C>A, p.Ser315Arg (NM_001407587.1, NM_001407590.1, NM_001407591.1 and 22 more transcripts); c.939C>A, p.Ser313Arg (NM_001407646.1, NM_001407647.1); c.825C>A, p.Ser275Arg (NM_001407648.1, NM_001407664.1, NM_001407665.1 and 19 more transcripts); c.822C>A, p.Ser274Arg (NM_001407649.1, NM_001407670.1, NM_001407671.1 and 11 more transcripts); c.870C>A, p.Ser290Arg (NM_001407653.1, NM_001407654.1, NM_001407655.1 and 4 more transcripts); c.867C>A, p.Ser289Arg (NM_001407659.1, NM_001407660.1, NM_001407661.1 and 1 more transcripts); and 40 more; short protein forms S269R, S316R, S204R, S20R, S246R, S248R, S274R, S313R.
Identifiers: ClinVar variation 1303010 (VCV001303010.19), dbSNP rs1555592782, ClinGen allele CA10600172.

ClinVar aggregate classification (germline): Conflicting classifications of pathogenicity. Review status: criteria provided, conflicting classifications (1 of 4 stars). 4 submissions from 4 submitters: Uncertain significance (3); Likely benign (1). Last evaluated 2023-03-23.

Conditions:
Hereditary cancer-predisposing syndrome. Also called: Tumor predisposition; Neoplastic Syndromes, Hereditary; Hereditary Cancer Syndrome; Hereditary neoplastic syndrome. Identifiers: Orphanet 140162, MedGen C0027672, MeSH D009386, MONDO:0015356.
Hereditary breast ovarian cancer syndrome. Also called: Hereditary breast and ovarian cancer; Breast and ovarian cancer; Hereditary breast and ovarian cancer syndrome (HBOC); Hereditary breast and ovarian cancer syndrome; BRCA1- and BRCA2-Associated Hereditary Breast and Ovarian Cancer; Hereditary breast and/or ovarian cancer syndrome. Identifiers: Orphanet 145, MedGen C0677776, MeSH D061325, MONDO:0003582. Disease mechanism: loss of function.

Allele frequency attached by ClinVar (database versions not stated): gnomAD exomes below 0.00001.
gnomAD v4.1: 3 of 1,614,010 alleles (0.00019%); highest among the groups gnomAD compares: Admixed American, 0.0017%; no homozygotes.

Submissions (4):

University of Washington Department of Laboratory Medicine, University of Washington
Classification: Likely benign for Hereditary cancer-predisposing syndrome. Last evaluated: 2023-03-23. Review status: criteria provided, single submitter. Criteria: Dines et al. (Genet Med. 2020). Collection method: curation. Allele origin: germline.
Comment: Missense variant in a coldspot region where missense variants are very unlikely to be pathogenic (PMID:31911673).

BRCA1 coldspot (exon 11 using historical exon numbering). Reclassification based on statistical prior probability

Labcorp Genetics (formerly Invitae), Labcorp
Classification: Uncertain significance for Hereditary breast ovarian cancer syndrome. Last evaluated: 2022-05-03. Review status: criteria provided, single submitter. Criteria: Invitae Variant Classification Sherloc (09022015). Collection method: clinical testing. Allele origin: germline.
Comment: This sequence change replaces serine, which is neutral and polar, with arginine, which is basic and polar, at codon 316 of the BRCA1 protein (p.Ser316Arg). This variant is not present in population databases (gnomAD no frequency). This missense change has been observed in individual(s) with breast cancer (PMID: 20104584). ClinVar contains an entry for this variant (Variation ID: 1303010). Advanced modeling of protein sequence and biophysical properties (such as structural, functional, and spatial information, amino acid conservation, physicochemical variation, residue mobility, and thermodynamic stability) performed at Invitae indicates that this missense variant is not expected to disrupt BRCA1 protein function. In summary, the available evidence is currently insufficient to determine the role of this variant in disease. Therefore, it has been classified as a Variant of Uncertain Significance.

Ambry Genetics
Classification: Uncertain significance for Hereditary cancer-predisposing syndrome. Last evaluated: 2021-12-10. Review status: criteria provided, single submitter. Criteria: Ambry Variant Classification Scheme 2023. Collection method: clinical testing. Allele origin: germline.
Comment: The p.S316R variant (also known as c.948C>A), located in coding exon 9 of the BRCA1 gene, results from a C to A substitution at nucleotide position 948. The serine at codon 316 is replaced by arginine, an amino acid with dissimilar properties. This amino acid position is highly conserved in available vertebrate species. In addition, this alteration is predicted to be deleterious by in silico analysis. Since supporting evidence is limited at this time, the clinical significance of this alteration remains unclear.

GeneDx
Classification: Uncertain significance. Last evaluated: 2019-04-12. Review status: criteria provided, single submitter. Criteria: GeneDx Variant Classification Process June 2021. Collection method: clinical testing. Allele origin: germline. Affected: yes.
Comment: Not observed in large population cohorts (Lek et al., 2016); In silico analysis, which includes protein predictors and evolutionary conservation, supports a deleterious effect; Has not been previously published as pathogenic or benign to our knowledge

Literature cited by the submitters: PubMed 20104584 (cited by Labcorp Genetics (formerly Invitae), Labcorp).